The following is an entry in ClinVar:

NM_007294.4(BRCA1):c.5333-9C>T

Gene: BRCA1 (BRCA1 DNA repair associated; minus strand). Cytogenetic location: 17q21.31.
Variant type: single nucleotide variant.
Coding change: c.5333-9C>T on transcript NM_007294.4 (MANE Select); 9 bases into the intron before coding-DNA position 5333, C replaced by T.
Molecular consequence: intron variant.
Genome position (GRCh38, 1-based): chr17:43,049,203, G>A on the plus strand (C>T on the coding strand, the complement: BRCA1 is on the minus strand). VCF-style: chr17-43049203-G-A. GRCh37 (hg19) VCF-style: chr17-41201220-G-A.
Other names: c.5129-9C>T (NM_001407863.1); c.5207-9C>T (NM_001407679.1, NM_001407670.1, NM_001407675.1 and 8 more transcripts); c.5210-1500C>T (NM_001407938.1, NM_001407937.1); c.5210-9C>T (NM_001407667.1, NM_001407668.1, NM_001407664.1 and 3 more transcripts); c.1904-9C>T (NM_001408423.1, NM_001408421.1, NM_001408424.1 and 1 more transcripts); c.1907-9C>T (NM_001408420.1, NM_001408419.1, NM_001408418.1); c.2018-9C>T (NM_001408404.1, NM_001408402.1, NM_001408399.1 and 7 more transcripts); c.2021-1500C>T (NM_001408472.1, NM_007299.4); and 84 more.
Identifiers: ClinVar variation 865622 (VCV000865622.3), dbSNP rs2051099141, ClinGen allele CA916080895.

Conditions:
Breast-ovarian cancer, familial, susceptibility to, 1 (BROVCA1). Also called: BRCA1 Hereditary Breast and Ovarian Cancer; OVARIAN CANCER, SUSCEPTIBILITY TO. Identifiers: Orphanet 145, MedGen C2676676, MONDO:0011450, OMIM 604370. Disease mechanism: loss of function.

Submission:

Brotman Baty Institute, University of Washington
No classification provided (evidence only). Condition: Breast-ovarian cancer, familial 1. Review status: no classification provided. Collection method: in vitro. Allele origin: not applicable. Functional consequence: functionally_normal.
ClinVar note: "not provided" was previously submitted as the classification for the variant. However, the classification appeared to be based only on an observation of functional data so it was converted to no classification on 2025-07-30.